The following is an entry in ClinVar:

ClinVar aggregate classification (germline): Conflicting classifications of pathogenicity. Review status: criteria provided, conflicting classifications (1 of 4 stars). 4 submissions from 4 submitters: Uncertain significance (2); Likely benign (1). 1 of the submissions does not count toward it. Last evaluated 2024-07-23.

Conditions:
Bardet-Biedl syndrome 18 (BBS18). Identifiers: Orphanet 110, MedGen C3806174, MONDO:0014446, OMIM 615995.
BBIP1-related disorder. Also called: BBIP1-related condition.

Allele frequency attached by ClinVar (database versions not stated): 1000 Genomes Project 30x 0.00016; ExAC 0.00161.
gnomAD v4.1: 138 of 680,998 alleles (0.02%); highest among the groups gnomAD compares: South Asian, 0.21%; 3 homozygotes.

Submissions (4):

Blueprint Genetics
Classification: Likely benign. Last evaluated: 2024-07-23. Review status: criteria provided, single submitter. Criteria: ACMG Guidelines, 2015. Collection method: clinical testing. Allele origin: germline.

Genomic Research Center, Shahid Beheshti University of Medical Sciences
Classification: Uncertain significance for Bardet-Biedl syndrome 18. Last evaluated: 2018-03-05. Review status: criteria provided, single submitter. Criteria: ACMG Guidelines, 2015. Collection method: clinical testing. Allele origin: inherited. Affected: no. Observed: 1 variant allele.

Molecular Endocrinology Laboratory, Christian Medical College
Classification: Uncertain significance for Bardet-Biedl syndrome 18. Review status: criteria provided, single submitter. Criteria: ACMG Guidelines, 2015. Collection method: clinical testing. Allele origin: germline. Affected: yes.

PreventionGenetics, part of Exact Sciences
Classification: Likely benign for BBIP1-related condition. Last evaluated: 2024-01-29. Review status: no assertion criteria provided. Collection method: clinical testing. Allele origin: germline. Not counted in ClinVar's aggregate classification.
Comment: This variant is classified as likely benign based on ACMG/AMP sequence variant interpretation guidelines (Richards et al. 2015 PMID: 25741868, with internal and published modifications).

NM_001195305.3(BBIP1):c.38-6071C>G

Gene: BBIP1 (BBSome interacting protein 1; minus strand). Cytogenetic location: 10q25.2.
Variant type: single nucleotide variant.
Coding change: c.38-6071C>G on transcript NM_001195305.3 (MANE Select); 6071 bases into the intron before coding-DNA position 38, C replaced by G.
Molecular consequence: intron variant. On other transcripts: missense variant (1).
Genome position (GRCh38, 1-based): chr10:110,907,683, G>C on the plus strand (C>G on the coding strand, the complement: BBIP1 is on the minus strand). VCF-style: chr10-110907683-G-C. GRCh37 (hg19) VCF-style: chr10-112667441-G-C.
Other names: c.191C>G, p.Ala64Gly (NM_001195304.2); c.38-6071C>G (NM_001195306.2); c.-29-6071C>G (NM_001243783.3); c.38-7157C>G (NM_001195307.2); short protein forms A64G.
Identifiers: ClinVar variation 548535 (VCV000548535.9), dbSNP rs760064445, ClinGen allele CA5689337.